The following is an entry in ClinVar:

ClinVar aggregate classification (germline): Uncertain significance (1 of 4 stars; one submission).

Conditions:
GLI2-related disorder. Also called: GLI2-related condition; GLI2-related disorders.

Submission:

PreventionGenetics, part of Exact Sciences
Classification: Uncertain significance for GLI2-related condition. Last evaluated: 2025-09-19. Review status: criteria provided, single submitter. Criteria: ACMG Guidelines, 2015. Collection method: clinical testing. Allele origin: germline.
Comment: The GLI2 c.652T>G variant is predicted to result in the amino acid substitution p.Phe218Val. To our knowledge, this variant has not been reported in the literature or in a large population database (gnomAD), indicating this variant is rare. At this time, the clinical significance of this variant is uncertain due to the absence of conclusive functional and genetic evidence.

NM_001374353.1(GLI2):c.652T>G (p.Phe218Val)

Gene: GLI2 (GLI family zinc finger 2; plus strand). Cytogenetic location: 2q14.2.
Variant type: single nucleotide variant.
Coding change: c.652T>G on transcript NM_001374353.1 (MANE Select); coding-DNA position 652, T replaced by G.
Protein change: p.Phe218Val; replaces phenylalanine 218 with valine.
Molecular consequence: missense variant.
Genome position (GRCh38, 1-based): chr2:120,968,722, T>G. VCF-style: chr2-120968722-T-G. GRCh37 (hg19) VCF-style: chr2-121726298-T-G.
Other names: c.652T>G, p.Phe218Val (NM_001371271.1, NM_005270.5); c.277T>G, p.Phe93Val (NM_001374354.1); short protein forms F93V, F218V.
Identifiers: ClinVar variation 4995604 (VCV004995604.1).
Genomic context (GRCh38, chr2:120,968,722, plus strand): 5'-CCCTCCCCCATCCCCAGTGATGCTGACCTGTCTTGTGTTGACTATCCCACAGTGTCCCGT[T>G]TCTCCAGCCCGCGGGTGACGCCCCGCCTGAGCCGCAAGCGGGCGCTGTCCATCTCCCCAC-3'
Protein context (NP_001361282.1, residues 208-228): DYLNPVDVSR[Phe218Val]SSPRVTPRLS